The following is an entry in ClinVar:

NM_002830.4(PTPN4):c.218_221del (p.Gln73fs)

Gene: PTPN4 (protein tyrosine phosphatase non-receptor type 4; plus strand). Cytogenetic location: 2q14.2.
Variant type: Deletion.
Coding change: c.218_221del on transcript NM_002830.4 (MANE Select); coding-DNA positions 218 to 221, 4 bases deleted (AGTT; older notation c.218_221delAGTT).
Protein change: p.Gln73fs; shifts the reading frame from glutamine 73.
Molecular consequence: frameshift variant.
Genome position (GRCh38, 1-based): chr2:119,862,615-119,862,618, AGTT deleted. VCF-style (leftmost placement, unchanged base first): chr2-119862614-CAGTT-C. GRCh37 (hg19) VCF-style: chr2-120620190-CAGTT-C.
Other names: short protein forms Q73fs.
Identifiers: ClinVar variation 4871704 (VCV004871704.1).
Genomic context (GRCh38, chr2:119,862,614, plus strand): 5'-GTCTTGTTGGATGTCGTCTTCAAGCATCTAGATTTGACTGAGCAGGACTATTTTGGTTTA[CAGTT>C]GGCTGATGATTCCACAGATAACCCAGTAAGTGTAAGATTTTGTCTTTCATTTTCATTTAG-3'

ClinVar aggregate classification (germline): Likely pathogenic (1 of 4 stars; one submission).

Conditions:
Neurodevelopmental disorder. Identifiers: MedGen C1535926, MeSH D065886, MONDO:0700092.

Submission:

Centro Nacional de Genética Medica, Administración Nacional de Laboratorios e Institutos de Salud (ANLIS) “Dr. Carlos G Malbrán”
Classification: Likely pathogenic for Neurodevelopmental disorder. Last evaluated: 2024-04-24. Review status: criteria provided, single submitter. Criteria: ACMG Guidelines, 2015. Collection method: clinical testing. Allele origin: germline. Affected: yes. Observed: 1 variant allele.
Comment: This variant is located in exon 3/27 and corresponds to a 4-nucleotide deletion between positions 218 and 221 of the coding region. This generates a frameshift that leads to the appearance of a premature stop codon 18 amino acids downstream of the deletion site. This type of variant generally results in the deletion of messenger RNA through nonsense-mediated decay (NMD) (PMID: 16757948;17352659). PTPN4 is a gene with low tolerance for loss-of-function variants. Because of this variant, there would be no translation and, therefore, no protein (PVS1). The variant found is not present, or is present at a frequency of less than 0.01%, in population databases such as GnomAD, ExAc or 1000 Genomes (PM2_Supporting). Although this gene is not associated with any pathology in OMIM, pathogenic variants in PTPN4 have been described in the literature as being associated with neurodevelopmental problems and short stature (PMID: 25424712; 30238967; 34527963). PMID: 34527963 describe six patients with pathogenic variants in PTPN4 exhibiting varying degrees of intellectual disability, growth retardation, language delay, and visual impairments. The variants described in this publication include both missense and loss-of-function variants, all located in the FERM, PDZ, or PTP domains. The authors propose variable expressivity.

Literature cited by the submitters: PubMed 16757948; PubMed 17352659; PubMed 25424712; PubMed 30238967; PubMed 34527963.